The following is an entry in ClinVar:

ClinVar aggregate classification (germline): Uncertain significance (1 of 4 stars; one submission).

Submission:

Dasa
Classification: Uncertain significance. Last evaluated: 2026-01-29. Review status: criteria provided, single submitter. Criteria: DASA Assertion Criteria. Collection method: clinical testing. Allele origin: germline.
Comment: NM_006486.3(FBLN1):c.694T>A (p.Ser232Thr) is a missense variant that results in the substitution of serine with threonine. This variant is rare in population databases. Computational prediction algorithms are consistent with a benign effect. The currently available literature and clinical evidence are not sufficient to establish a definitive association between this variant and the reported condition. Therefore, this variant is classified as a variant of uncertain significance.

NM_006486.3(FBLN1):c.694T>A (p.Ser232Thr)

Gene: FBLN1 (fibulin 1; plus strand). Cytogenetic location: 22q13.31.
Variant type: single nucleotide variant.
Coding change: c.694T>A on transcript NM_006486.3 (MANE Select); coding-DNA position 694, T replaced by A.
Protein change: p.Ser232Thr; replaces serine 232 with threonine.
Molecular consequence: missense variant.
Genome position (GRCh38, 1-based): chr22:45,533,808, T>A. VCF-style: chr22-45533808-T-A. GRCh37 (hg19) VCF-style: chr22-45929688-T-A.
Other names: c.694T>A, p.Ser232Thr (NM_001996.4, NM_006485.4, NM_006487.3); short protein forms S232T.
Identifiers: ClinVar variation 4883844 (VCV004883844.2).
Genomic context (GRCh38, chr22:45,533,808, plus strand): 5'-CGGTCTCTCCTAGATGTCAATGAATGCATCACGGGCAGCCACAGCTGCCGGCTTGGAGAA[T>A]CCTGCATCAACACAGTGGGCTCTTTCCGCTGCCAGCGGGACAGCAGCTGCGGGACTGGCT-3'
Protein context (NP_006477.3, residues 222-242): TGSHSCRLGE[Ser232Thr]CINTVGSFRC